The following is an entry in ClinVar:

NM_002769.5(PRSS1):c.389C>A (p.Thr130Asn)

Genes: PRSS1 (serine protease 1; plus strand), TRB (T cell receptor beta locus; plus strand). Cytogenetic location: 7q34.
Variant type: single nucleotide variant.
Coding change: c.389C>A on transcript NM_002769.5 (MANE Select); coding-DNA position 389, C replaced by A.
Protein change: p.Thr130Asn; replaces threonine 130 with asparagine.
Molecular consequence: missense variant. On other transcripts: non-coding transcript variant (5).
Genome position (GRCh38, 1-based): chr7:142,751,962, C>A. VCF-style: chr7-142751962-C-A. GRCh37 (hg19) VCF-style: chr7-142459813-C-A.
Other names: short protein forms T130N.
Identifiers: ClinVar variation 1735977 (VCV001735977.2), dbSNP rs193922655, ClinGen allele CA369609028.
Genomic context (GRCh38, chr7:142,751,962, plus strand): 5'-TAATCAAGCTCTCCTCACGTGCAGTAATCAACGCCCGCGTGTCCACCATCTCTCTGCCCA[C>A]CGCCCCTCCAGCCACTGGCACGAAGTGCCTCATCTCTGGCTGGGGCAACACTGCGAGCTC-3'
Protein context (NP_002760.1, residues 120-140): NARVSTISLP[Thr130Asn]APPATGTKCL

ClinVar aggregate classification (germline): Uncertain significance (1 of 4 stars; one submission).

Conditions:
Hereditary pancreatitis (PCTT). Also called: Hereditary chronic pancreatitis; PRSS1-Related Hereditary Pancreatitis. Identifiers: Orphanet 676, MedGen C0238339, MONDO:0008185, OMIM 167800.

Submission:

Ambry Genetics
Classification: Uncertain significance for Hereditary pancreatitis. Last evaluated: 2022-07-27. Review status: criteria provided, single submitter. Criteria: Ambry Variant Classification Scheme 2023. Collection method: clinical testing. Allele origin: germline.
Comment: The p.T130N variant (also known as c.389C>A), located in coding exon 3 of the PRSS1 gene, results from a C to A substitution at nucleotide position 389. The threonine at codon 130 is replaced by asparagine, an amino acid with similar properties. This amino acid position is conserved. In addition, this alteration is predicted to be tolerated by in silico analysis. Since supporting evidence is limited at this time, the clinical significance of this alteration remains unclear.